The following is an entry in ClinVar:

NM_001298.3(CNGA3):c.524T>C (p.Ile175Thr)

Gene: CNGA3 (cyclic nucleotide gated channel subunit alpha 3; plus strand). Cytogenetic location: 2q11.2.
Variant type: single nucleotide variant.
Coding change: c.524T>C on transcript NM_001298.3 (MANE Select); coding-DNA position 524, T replaced by C.
Protein change: p.Ile175Thr; replaces isoleucine 175 with threonine.
Molecular consequence: missense variant.
Genome position (GRCh38, 1-based): chr2:98,389,732, T>C. VCF-style: chr2-98389732-T-C. GRCh37 (hg19) VCF-style: chr2-99006195-T-C.
Other names: c.470T>C, p.Ile157Thr (NM_001079878.2); short protein forms I175T, I157T.
Identifiers: ClinVar variation 1425857 (VCV001425857.8), dbSNP rs2104229699, ClinGen allele CA347831564.

ClinVar aggregate classification (germline): Uncertain significance (1 of 4 stars; one submission).

Submission:

Labcorp Genetics (formerly Invitae), Labcorp
Classification: Uncertain significance. Last evaluated: 2021-01-18. Review status: criteria provided, single submitter. Criteria: Invitae Variant Classification Sherloc (09022015). Collection method: clinical testing. Allele origin: germline.
Comment: This sequence change replaces isoleucine with threonine at codon 175 of the CNGA3 protein (p.Ile175Thr). The isoleucine residue is moderately conserved and there is a moderate physicochemical difference between isoleucine and threonine. This variant is not present in population databases (ExAC no frequency). This variant has been observed in individual(s) with inherited retinal dystrophy (Invitae). Advanced modeling of protein sequence and biophysical properties (such as structural, functional, and spatial information, amino acid conservation, physicochemical variation, residue mobility, and thermodynamic stability) performed at Invitae indicates that this missense variant is expected to disrupt CNGA3 protein function. In summary, the available evidence is currently insufficient to determine the role of this variant in disease. Therefore, it has been classified as a Variant of Uncertain Significance.